The following is an entry in ClinVar:

NM_000038.6(APC):c.4161T>A (p.Cys1387Ter)

Gene: APC (APC regulator of Wnt signaling pathway; plus strand). Cytogenetic location: 5q22.2.
Variant type: single nucleotide variant.
Coding change: c.4161T>A on transcript NM_000038.6 (MANE Select); coding-DNA position 4161, T replaced by A.
Protein change: p.Cys1387Ter; replaces cysteine 1387 with a stop codon.
Molecular consequence: nonsense.
Genome position (GRCh38, 1-based): chr5:112,839,755, T>A. VCF-style: chr5-112839755-T-A. GRCh37 (hg19) VCF-style: chr5-112175452-T-A.
Other names: c.4161T>A, p.Cys1387Ter (NM_001127510.3, NM_001354895.2); c.4107T>A, p.Cys1369Ter (NM_001127511.3); c.4215T>A, p.Cys1405Ter (NM_001354896.2); c.4191T>A, p.Cys1397Ter (NM_001354897.2); c.4086T>A, p.Cys1362Ter (NM_001354898.2); c.4077T>A, p.Cys1359Ter (NM_001354899.2); c.4038T>A, p.Cys1346Ter (NM_001354900.2); c.3984T>A, p.Cys1328Ter (NM_001354901.2); and 5 more; short protein forms C1104*, C1227*, C1261*, C1286*, C1296*, C1328*, C1346*, C1359*.
Identifiers: ClinVar variation 1050660 (VCV001050660.4), dbSNP rs2149907906, ClinGen allele CA16030449.

ClinVar aggregate classification (germline): Pathogenic. Review status: criteria provided, single submitter (1 of 4 stars). 2 submissions from 2 submitters: Pathogenic (1). 1 of the submissions does not count toward it. Last evaluated 2023-07-16.

Conditions:
Familial adenomatous polyposis 1 (FAP1). Also called: POLYPOSIS, ADENOMATOUS INTESTINAL; FAMILIAL ADENOMATOUS POLYPOSIS 1, ATTENUATED. Identifiers: MedGen C2713442, MONDO:0021056, OMIM 175100. Disease mechanism: loss of function.

Submissions (2):

Labcorp Genetics (formerly Invitae), Labcorp
Classification: Pathogenic for Familial adenomatous polyposis 1. Last evaluated: 2023-07-16. Review status: criteria provided, single submitter. Criteria: Invitae Variant Classification Sherloc (09022015). Collection method: clinical testing. Allele origin: germline.
Comment: This variant is expected to disrupt the EB1 and HDLG binding sites, which mediate interactions with the cytoskeleton (PMID: 15311282, 17293347). While functional studies have not been performed to directly test the effect on APC protein function, this suggests that disruption of the C-terminal portion of the protein is functionally important. For these reasons, this variant has been classified as Pathogenic. A different truncation (p.Tyr2645Lysfs*14) that lies downstream of this variant has been determined to be pathogenic (PMID: 9824584, 1316610, 27081525, 8381579, 22135120, Invitae). This suggests that deletion of this region of the APC protein is causative of disease. ClinVar contains an entry for this variant (Variation ID: 1050660). This variant has not been reported in the literature in individuals affected with APC-related conditions. This variant is not present in population databases (gnomAD no frequency). This sequence change creates a premature translational stop signal (p.Cys1387*) in the APC gene. While this is not anticipated to result in nonsense mediated decay, it is expected to disrupt the last 1457 amino acid(s) of the APC protein.

Department of Pathology and Laboratory Medicine, Sinai Health System
Classification: Uncertain significance. Review status: no assertion criteria provided. Collection method: clinical testing. Allele origin: unknown. Affected: yes. Observed: 1 variant allele. Study: The Canadian Open Genetics Repository (COGR). Not counted in ClinVar's aggregate classification.

Literature cited by the submitters: PubMed 15311282 (cited by Labcorp Genetics (formerly Invitae), Labcorp); PubMed 17293347 (cited by Labcorp Genetics (formerly Invitae), Labcorp); PubMed 9824584 (cited by Labcorp Genetics (formerly Invitae), Labcorp); PubMed 1316610 (cited by Labcorp Genetics (formerly Invitae), Labcorp); PubMed 27081525 (cited by Labcorp Genetics (formerly Invitae), Labcorp); PubMed 8381579 (cited by Labcorp Genetics (formerly Invitae), Labcorp); PubMed 22135120 (cited by Labcorp Genetics (formerly Invitae), Labcorp).